The following is an entry in ClinVar:

ClinVar aggregate classification (germline): Pathogenic (1 of 4 stars; one submission).

Submission:

Labcorp Genetics (formerly Invitae), Labcorp
Classification: Pathogenic. Last evaluated: 2023-10-20. Review status: criteria provided, single submitter. Criteria: Invitae Variant Classification Sherloc (09022015). Collection method: clinical testing. Allele origin: germline.
Comment: This sequence change creates a premature translational stop signal (p.Ala1211Hisfs*34) in the CENPJ gene. It is expected to result in an absent or disrupted protein product. Loss-of-function variants in CENPJ are known to be pathogenic (PMID: 15793586, 16900296, 20522431). This variant is not present in population databases (gnomAD no frequency). This variant has not been reported in the literature in individuals affected with CENPJ-related conditions. For these reasons, this variant has been classified as Pathogenic.

Literature cited by the submitters: PubMed 15793586; PubMed 16900296; PubMed 20522431.

NM_018451.5(CPAP):c.3630_3643del (p.Ala1211fs)

Genes: CPAP (centrosome assembly and centriole elongation protein; minus strand), RNF17 (ring finger protein 17; plus strand). Cytogenetic location: 13q12.12.
Variant type: Deletion.
Coding change: c.3630_3643del on transcript NM_018451.5 (MANE Select); coding-DNA positions 3630 to 3643, 14 bases deleted (TGCAGCTGCCCAGA).
Protein change: p.Ala1211fs; shifts the reading frame from alanine 1211.
Molecular consequence: frameshift variant. On other transcripts: non-coding transcript variant (2).
Genome position (GRCh38, 1-based): chr13:24,884,221-24,884,234, TCTGGGCAGCTGCA deleted on the plus strand (TGCAGCTGCCCAGA on the coding strand, the reverse complement: CPAP is on the minus strand); deleting any 14 consecutive bases within chr13:24,884,221-24,884,235 gives the same sequence; the c. name uses the placement nearest the transcript's 3' end. VCF-style (leftmost placement, unchanged base first): chr13-24884220-GTCTGGGCAGCTGCA-G. GRCh37 (hg19) VCF-style: chr13-25458358-GTCTGGGCAGCTGCA-G.
Other names: short protein forms A1211fs.
Identifiers: ClinVar variation 2843599 (VCV002843599.3), dbSNP rs1953942935, ClinGen allele CA954153310.